The following is an entry in ClinVar:

ClinVar aggregate classification (germline): Uncertain significance (1 of 4 stars; one submission).

Conditions:
Idiopathic generalized epilepsy. Also called: Generalised epilepsy; EIG. Identifiers: MedGen C0270850, MONDO:0005579, OMIM 600669.

Allele frequency attached by ClinVar (database versions not stated): gnomAD exomes below 0.00001; TOPMed below 0.00001; ExAC 0.00001.

Submission:

Labcorp Genetics (formerly Invitae), Labcorp
Classification: Uncertain significance for Idiopathic generalized epilepsy. Last evaluated: 2022-04-20. Review status: criteria provided, single submitter. Criteria: Invitae Variant Classification Sherloc (09022015). Collection method: clinical testing. Allele origin: germline.
Comment: In summary, the available evidence is currently insufficient to determine the role of this variant in disease. Therefore, it has been classified as a Variant of Uncertain Significance. Algorithms developed to predict the effect of missense changes on protein structure and function (SIFT, PolyPhen-2, Align-GVGD) all suggest that this variant is likely to be disruptive. This variant has not been reported in the literature in individuals affected with RBFOX1-related conditions. The frequency data for this variant in the population databases is considered unreliable, as metrics indicate poor data quality at this position in the gnomAD database. This sequence change replaces arginine, which is basic and polar, with glutamine, which is neutral and polar, at codon 149 of the RBFOX1 protein (p.Arg149Gln).

NM_018723.4(RBFOX1):c.386G>A (p.Arg129Gln)

Genes: RBFOX1 (RNA binding fox-1 homolog 1; plus strand), LOC126862278 (CDK7 strongly-dependent group 2 enhancer GRCh37_chr16:7629446-7630645; plus strand). Cytogenetic location: 16p13.3.
Variant type: single nucleotide variant.
Coding change: c.386G>A on transcript NM_018723.4 (MANE Select); coding-DNA position 386, G replaced by A.
Protein change: p.Arg129Gln; replaces arginine 129 with glutamine.
Molecular consequence: missense variant.
Genome position (GRCh38, 1-based): chr16:7,579,892, G>A. VCF-style: chr16-7579892-G-A. GRCh37 (hg19) VCF-style: chr16-7629894-G-A.
Other names: c.386G>A, p.Arg129Gln (NM_001142333.2, NM_001142334.2, NM_001364800.2 and 1 more transcripts); c.515G>A, p.Arg172Gln (NM_001308117.1, NM_001411047.1, NM_001415891.1 and 5 more transcripts); c.983G>A, p.Arg328Gln (NM_001415887.1, NM_001415888.1); c.494G>A, p.Arg165Gln (NM_001415889.1, NM_001415892.1, NM_001415894.1 and 5 more transcripts); c.461G>A, p.Arg154Gln (NM_001415890.1, NM_001415893.1, NM_001415899.1 and 4 more transcripts); c.446G>A, p.Arg149Gln (NM_001415896.1, NM_001415904.1, NM_001415906.1 and 4 more transcripts); c.392G>A, p.Arg131Gln (NM_001415902.1, NM_001415911.1, NM_001415917.1); short protein forms R165Q, R154Q, R129Q, R131Q, R149Q, R172Q, R328Q.
Identifiers: ClinVar variation 2128390 (VCV002128390.4), dbSNP rs757718956, ClinGen allele CA7891468.